The following is an entry in ClinVar:

NM_006267.5(RANBP2):c.1882C>G (p.Pro628Ala)

Gene: RANBP2 (RAN binding protein 2; plus strand). Cytogenetic location: 2q13.
Variant type: single nucleotide variant.
Coding change: c.1882C>G on transcript NM_006267.5 (MANE Select); coding-DNA position 1882, C replaced by G.
Protein change: p.Pro628Ala; replaces proline 628 with alanine.
Molecular consequence: missense variant.
Genome position (GRCh38, 1-based): chr2:108,753,124, C>G. VCF-style: chr2-108753124-C-G. GRCh37 (hg19) VCF-style: chr2-109369580-C-G.
Other names: short protein forms P628A.
Identifiers: ClinVar variation 1394907 (VCV001394907.7), dbSNP rs2149230486, ClinGen allele CA348052006.

ClinVar aggregate classification (germline): Uncertain significance (1 of 4 stars; one submission).

Conditions:
Familial acute necrotizing encephalopathy (IIAE3). Also called: ENCEPHALOPATHY, ACUTE, INFECTION-INDUCED, SUSCEPTIBILITY TO, 3; Susceptibility to Acute Necrotizing Encephalopathy 1. Identifiers: Orphanet 88619, MedGen C2675556, MONDO:0011953, OMIM 608033.

Submission:

Labcorp Genetics (formerly Invitae), Labcorp
Classification: Uncertain significance for Familial acute necrotizing encephalopathy. Last evaluated: 2021-11-24. Review status: criteria provided, single submitter. Criteria: Invitae Variant Classification Sherloc (09022015). Collection method: clinical testing. Allele origin: germline.
Comment: In summary, the available evidence is currently insufficient to determine the role of this variant in disease. Therefore, it has been classified as a Variant of Uncertain Significance. Algorithms developed to predict the effect of missense changes on protein structure and function are either unavailable or do not agree on the potential impact of this missense change (SIFT: "Deleterious"; PolyPhen-2: "Benign"; Align-GVGD: "Class C25"). This variant has not been reported in the literature in individuals affected with RANBP2-related conditions. This variant is not present in population databases (gnomAD no frequency). This sequence change replaces proline, which is neutral and non-polar, with alanine, which is neutral and non-polar, at codon 628 of the RANBP2 protein (p.Pro628Ala).